The following is an entry in ClinVar:

NM_015100.4(POGZ):c.2442G>A (p.Lys814=)

Gene: POGZ (pogo transposable element derived with ZNF domain; minus strand). Cytogenetic location: 1q21.3.
Variant type: single nucleotide variant.
Coding change: c.2442G>A on transcript NM_015100.4 (MANE Select); coding-DNA position 2442, G replaced by A.
Protein change: p.Lys814=; no amino-acid change (lysine 814 retained).
Molecular consequence: synonymous variant.
Genome position (GRCh38, 1-based): chr1:151,407,014, C>T on the plus strand (G>A on the coding strand, the complement: POGZ is on the minus strand). VCF-style: chr1-151407014-C-T. GRCh37 (hg19) VCF-style: chr1-151379490-C-T.
Other names: c.2415G>A, p.Lys805= (NM_001194937.2); c.2256G>A, p.Lys752= (NM_001194938.2); c.2463G>A, p.Lys821= (NM_001410860.1); c.2157G>A, p.Lys719= (NM_145796.4); c.2283G>A, p.Lys761= (NM_207171.2).
Identifiers: ClinVar variation 3765698 (VCV003765698.1).

ClinVar aggregate classification (germline): Uncertain significance (1 of 4 stars; one submission).

Submission:

Greenwood Genetic Center Diagnostic Laboratories, Greenwood Genetic Center
Classification: Uncertain significance. Last evaluated: 2024-10-07. Review status: criteria provided, single submitter. Criteria: ACMG Guidelines, 2015. Collection method: clinical testing. Allele origin: germline. Affected: yes.
Comment: PM2, BP4